The following is an entry in ClinVar:

ClinVar aggregate classification (germline): Uncertain significance (1 of 4 stars; one submission).

Conditions:
Inborn genetic diseases. Identifiers: MedGen C0950123, MeSH D030342.

Submission:

Ambry Genetics
Classification: Uncertain significance for Inborn genetic diseases. Last evaluated: 2024-12-20. Review status: criteria provided, single submitter. Criteria: Ambry Variant Classification Scheme 2023. Collection method: clinical testing. Allele origin: germline.
Comment: The p.S195P variant (also known as c.583T>C), located in coding exon 2 of the GATA2 gene, results from a T to C substitution at nucleotide position 583. The serine at codon 195 is replaced by proline, an amino acid with similar properties. This amino acid position is conserved. In addition, the in silico prediction for this alteration is inconclusive. Based on the available evidence, the clinical significance of this variant remains unclear.

NM_032638.5(GATA2):c.583T>C (p.Ser195Pro)

Gene: GATA2 (GATA binding protein 2; minus strand). Cytogenetic location: 3q21.3.
Variant type: single nucleotide variant.
Coding change: c.583T>C on transcript NM_032638.5 (MANE Select); coding-DNA position 583, T replaced by C.
Protein change: p.Ser195Pro; replaces serine 195 with proline.
Molecular consequence: missense variant.
Genome position (GRCh38, 1-based): chr3:128,486,015, A>G on the plus strand (T>C on the coding strand, the complement: GATA2 is on the minus strand). VCF-style: chr3-128486015-A-G. GRCh37 (hg19) VCF-style: chr3-128204858-A-G.
Other names: c.583T>C, p.Ser195Pro (NM_001145661.2, NM_001145662.1); short protein forms S195P.
Identifiers: ClinVar variation 3853008 (VCV003853008.1).